The following is an entry in ClinVar:

NM_000057.4(BLM):c.955C>A (p.Leu319Ile)

Gene: BLM (BLM RecQ like helicase; plus strand). Cytogenetic location: 15q26.1.
Variant type: single nucleotide variant.
Coding change: c.955C>A on transcript NM_000057.4 (MANE Select); coding-DNA position 955, C replaced by A.
Protein change: p.Leu319Ile; replaces leucine 319 with isoleucine.
Molecular consequence: missense variant. On other transcripts: 5 prime UTR variant (1).
Genome position (GRCh38, 1-based): chr15:90,751,942, C>A. VCF-style: chr15-90751942-C-A. GRCh37 (hg19) VCF-style: chr15-91295172-C-A.
Other names: c.955C>A, p.Leu319Ile (NM_001287246.2, NM_001287247.2); c.-337C>A (NM_001287248.2); short protein forms L319I.
Identifiers: ClinVar variation 4622555 (VCV004622555.2).
Genomic context (GRCh38, chr15:90,751,942, plus strand): 5'-GATTTTGTTCCACCTTCTCCAGAAGAAATTATTTCTGCTTCTTCTTCCTCTTCAAAATGC[C>A]TTAGGTAAACTAGCTAAATAATTAGCATTATTATTTGTTTCTGGGATACTTTAAATTGTT-3'
Protein context (NP_000048.1, residues 309-329): ISASSSSSKC[Leu319Ile]STLKDLDTSD

ClinVar aggregate classification (germline): Uncertain significance. Review status: criteria provided, multiple submitters, no conflicts (2 of 4 stars). 2 submissions from 2 submitters: Uncertain significance (2). Last evaluated 2025-09-28.

Conditions:
Bloom syndrome (BLM). Also called: Bloom-Torre-Machacek syndrome. Identifiers: Orphanet 125, MedGen C0005859, MONDO:0008876, OMIM 210900.
Hereditary cancer-predisposing syndrome. Also called: Neoplastic Syndromes, Hereditary; Tumor predisposition; Hereditary Cancer Syndrome; Hereditary neoplastic syndrome. Identifiers: Orphanet 140162, MedGen C0027672, MeSH D009386, MONDO:0015356.

Submissions (2):

Ambry Genetics
Classification: Uncertain significance for Hereditary cancer-predisposing syndrome. Last evaluated: 2025-09-28. Review status: criteria provided, single submitter. Criteria: Ambry Variant Classification Scheme 2023. Collection method: clinical testing. Allele origin: germline.
Comment: The p.L319I variant (also known as c.955C>A), located in coding exon 3 of the BLM gene, results from a C to A substitution at nucleotide position 955. The leucine at codon 319 is replaced by isoleucine, an amino acid with highly similar properties. This amino acid position is conserved. In addition, this alteration is predicted to be tolerated by in silico analysis. Based on the available evidence, the clinical significance of this variant remains unclear.

Labcorp Genetics (formerly Invitae), Labcorp
Classification: Uncertain significance for Bloom syndrome. Last evaluated: 2025-09-03. Review status: criteria provided, single submitter. Criteria: Invitae Variant Classification Sherloc (09022015). Collection method: clinical testing. Allele origin: germline.
Comment: This sequence change replaces leucine, which is neutral and non-polar, with isoleucine, which is neutral and non-polar, at codon 319 of the BLM protein (p.Leu319Ile). This variant is not present in population databases (gnomAD no frequency). This variant has not been reported in the literature in individuals affected with BLM-related conditions. Invitae Evidence Modeling of protein sequence and biophysical properties (such as structural, functional, and spatial information, amino acid conservation, physicochemical variation, residue mobility, and thermodynamic stability) indicates that this missense variant is not expected to disrupt BLM protein function with a negative predictive value of 80%. In summary, the available evidence is currently insufficient to determine the role of this variant in disease. Therefore, it has been classified as a Variant of Uncertain Significance.